The following is an entry in ClinVar:

NM_004408.4(DNM1):c.1888G>A (p.Val630Ile)

Gene: DNM1 (dynamin 1; plus strand). Cytogenetic location: 9q34.11.
Variant type: single nucleotide variant.
Coding change: c.1888G>A on transcript NM_004408.4 (MANE Select); coding-DNA position 1888, G replaced by A.
Protein change: p.Val630Ile; replaces valine 630 with isoleucine.
Molecular consequence: missense variant.
Genome position (GRCh38, 1-based): chr9:128,247,481, G>A. VCF-style: chr9-128247481-G-A. GRCh37 (hg19) VCF-style: chr9-131009760-G-A.
Other names: c.1888G>A, p.Val630Ile (NM_001005336.3, NM_001288737.2, NM_001288738.2 and 2 more transcripts); short protein forms V630I.
Identifiers: ClinVar variation 934964 (VCV000934964.8), dbSNP rs1836896799, ClinGen allele CA375028515.

ClinVar aggregate classification (germline): Uncertain significance (1 of 4 stars; one submission).

Conditions:
Developmental and epileptic encephalopathy, 31A. Also called: Epileptic encephalopathy, early infantile, 31; Developmental and epileptic encephalopathy, 31. Identifiers: Orphanet 2382, MedGen C4225357, MONDO:0014598, OMIM 616346.

Allele frequency attached by ClinVar (database versions not stated): gnomAD exomes below 0.00001.

Submission:

Labcorp Genetics (formerly Invitae), Labcorp
Classification: Uncertain significance for Developmental and epileptic encephalopathy, 31A. Last evaluated: 2025-05-19. Review status: criteria provided, single submitter. Criteria: Invitae Variant Classification Sherloc (09022015). Collection method: clinical testing. Allele origin: germline.
Comment: This sequence change replaces valine, which is neutral and non-polar, with isoleucine, which is neutral and non-polar, at codon 630 of the DNM1 protein (p.Val630Ile). This variant is not present in population databases (gnomAD no frequency). This variant has not been reported in the literature in individuals affected with DNM1-related conditions. ClinVar contains an entry for this variant (Variation ID: 934964). Invitae Evidence Modeling of protein sequence and biophysical properties (such as structural, functional, and spatial information, amino acid conservation, physicochemical variation, residue mobility, and thermodynamic stability) indicates that this missense variant is not expected to disrupt DNM1 protein function with a negative predictive value of 95%. In summary, the available evidence is currently insufficient to determine the role of this variant in disease. Therefore, it has been classified as a Variant of Uncertain Significance.